The following is an entry in ClinVar:

ClinVar aggregate classification (germline): Uncertain significance (1 of 4 stars; one submission).

Conditions:
Atypical hemolytic-uremic syndrome. Identifiers: Orphanet 2134, MedGen C2931788, MONDO:0016244.

gnomAD v4.1: 1 of 1,614,052 alleles (0.000062%); highest among the groups gnomAD compares: Non-Finnish European, 0.000085%; no homozygotes.

Submission:

Genomenon, Inc
Classification: Uncertain significance for Atypical hemolytic-uremic syndrome. Last evaluated: 2025-09-30. Review status: criteria provided, single submitter. Criteria: Genomenon Sequence Variant Interpretation Standards. Collection method: curation. Allele origin: germline. Affected: yes.
Comment: C3 p.Glu1636Gly (c.4907A>G) is a missense variant that changes the amino acid at residue 1636 from Glutamic acid to Glycine. This variant has been observed in at least one proband affected with atypical hemolytic-uremic syndrome (PMID:28752844). It is absent or not present at a significant frequency in gnomAD. In silico models agree that this variant is not damaging. In conclusion, we classify C3 p.Glu1636Gly (c.4907A>G) as a variant of unknown significance.

Literature cited by the submitters: PubMed 28752844.

NM_000064.4(C3):c.4907A>G (p.Glu1636Gly)

Gene: C3 (complement C3; minus strand). Cytogenetic location: 19p13.3.
Variant type: single nucleotide variant.
Coding change: c.4907A>G on transcript NM_000064.4 (MANE Select); coding-DNA position 4907, A replaced by G.
Protein change: p.Glu1636Gly; replaces glutamic acid 1636 with glycine.
Molecular consequence: missense variant.
Genome position (GRCh38, 1-based): chr19:6,677,967, T>C on the plus strand (A>G on the coding strand, the complement: C3 is on the minus strand). VCF-style: chr19-6677967-T-C. GRCh37 (hg19) VCF-style: chr19-6677978-T-C.
Other names: short protein forms E1636G.
Identifiers: ClinVar variation 4280239 (VCV004280239.1).